The following is an entry in ClinVar:

NM_139314.3(ANGPTL4):c.1080C>T (p.Asn360=)

Gene: ANGPTL4 (angiopoietin like 4; plus strand). Cytogenetic location: 19p13.2.
Variant type: single nucleotide variant.
Coding change: c.1080C>T on transcript NM_139314.3 (MANE Select); coding-DNA position 1080, C replaced by T.
Protein change: p.Asn360=; no amino-acid change (asparagine 360 retained).
Molecular consequence: synonymous variant.
Genome position (GRCh38, 1-based): chr19:8,373,745, C>T. VCF-style: chr19-8373745-C-T. GRCh37 (hg19) VCF-style: chr19-8438629-C-T.
Other names: c.966C>T, p.Asn322= (NM_001039667.3).
Identifiers: ClinVar variation 783820 (VCV000783820.6), dbSNP rs3183953, ClinGen allele CA9156185.

ClinVar aggregate classification (germline): Benign. Review status: criteria provided, multiple submitters, no conflicts (2 of 4 stars). 3 submissions from 3 submitters: Benign (2). 1 of the submissions does not count toward it. Last evaluated 2018-08-16.

Conditions:
ANGPTL4-related disorder. Also called: ANGPTL4-related condition.

Allele frequency attached by ClinVar (database versions not stated): ExAC 0.00749; gnomAD 0.02317 and 0.02506; 1000 Genomes Project 0.02356; ESP Exome Variant Server 0.02522; TOPMed 0.02667; gnomAD exomes 0.00227 and 0.00597; 1000 Genomes Project 30x 0.02498.
gnomAD v4.1: 6,964 of 1,613,978 alleles (0.43%); highest among the groups gnomAD compares: African/African-American, 8.1%; 256 homozygotes.

Submissions (3):

Labcorp Genetics (formerly Invitae), Labcorp
Classification: Benign. Last evaluated: 2018-08-16. Review status: criteria provided, single submitter. Criteria: Invitae Variant Classification Sherloc (09022015). Collection method: clinical testing. Allele origin: germline.

Breakthrough Genomics
Classification: Benign. Review status: criteria provided, single submitter. Criteria: ACMG Guidelines, 2015. Collection method: not provided. Allele origin: germline. Inheritance: Autosomal dominant inheritance. Affected: yes.

PreventionGenetics, part of Exact Sciences
Classification: Benign for ANGPTL4-related condition. Last evaluated: 2020-02-19. Review status: no assertion criteria provided. Collection method: clinical testing. Allele origin: germline. Not counted in ClinVar's aggregate classification.
Comment: This variant is classified as benign based on ACMG/AMP sequence variant interpretation guidelines (Richards et al. 2015 PMID: 25741868, with internal and published modifications).